The following is an entry in ClinVar:

NM_022114.4(PRDM16):c.2841_2842delinsAC (p.Lys948Gln)

Gene: PRDM16 (PR/SET domain 16; plus strand). Cytogenetic location: 1p36.32.
Variant type: Indel.
Coding change: c.2841_2842delinsAC on transcript NM_022114.4 (MANE Select); coding-DNA positions 2841 to 2842, CA replaced by AC.
Protein change: p.Lys948Gln; replaces lysine 948 with glutamine.
Molecular consequence: missense variant.
Genome position (GRCh38, 1-based): chr1:3,417,977-3,417,978, CA replaced by AC. VCF-style: chr1-3417977-CA-AC. GRCh37 (hg19) VCF-style: chr1-3334541-CA-AC.
Other names: c.2841_2842delinsAC, p.Lys948Gln (NM_199454.3); short protein forms K948Q.
Identifiers: ClinVar variation 3680422 (VCV003680422.2).

ClinVar aggregate classification (germline): Uncertain significance (1 of 4 stars; one submission).

Conditions:
Left ventricular noncompaction 8 (LVNC8). Identifiers: Orphanet 154, Orphanet 54260, MedGen C3809288, MONDO:0014152, OMIM 615373.

Submission:

Labcorp Genetics (formerly Invitae), Labcorp
Classification: Uncertain significance for Left ventricular noncompaction 8. Last evaluated: 2024-10-29. Review status: criteria provided, single submitter. Criteria: Invitae Variant Classification Sherloc (09022015). Collection method: clinical testing. Allele origin: germline.
Comment: This sequence change replaces lysine, which is basic and polar, with glutamine, which is neutral and polar, at codon 948 of the PRDM16 protein (p.Lys948Gln). Information on the frequency of this variant in the gnomAD database is not available, as this variant may be reported differently in the database. This variant has not been reported in the literature in individuals affected with PRDM16-related conditions. Experimental studies and prediction algorithms are not available or were not evaluated, and the functional significance of this variant is currently unknown. In summary, the available evidence is currently insufficient to determine the role of this variant in disease. Therefore, it has been classified as a Variant of Uncertain Significance.